The following is an entry in ClinVar:

NM_005475.3(SH2B3):c.1594C>T (p.Pro532Ser)

Gene: SH2B3 (SH2B adaptor protein 3; plus strand). Cytogenetic location: 12q24.12.
Variant type: single nucleotide variant.
Coding change: c.1594C>T on transcript NM_005475.3 (MANE Select); coding-DNA position 1594, C replaced by T.
Protein change: p.Pro532Ser; replaces proline 532 with serine.
Molecular consequence: missense variant.
Genome position (GRCh38, 1-based): chr12:111,448,168, C>T. VCF-style: chr12-111448168-C-T. GRCh37 (hg19) VCF-style: chr12-111885972-C-T.
Other names: c.988C>T, p.Pro330Ser (NM_001291424.1); short protein forms P532S, P330S.
Identifiers: ClinVar variation 4164028 (VCV004164028.2).

ClinVar aggregate classification (germline): Uncertain significance (1 of 4 stars; one submission).

Conditions:
Inborn genetic diseases. Identifiers: MedGen C0950123, MeSH D030342.

gnomAD v4.1: 2 of 1,614,158 alleles (0.00012%); highest among the groups gnomAD compares: Non-Finnish European, 0.00017%; no homozygotes.

Submission:

Ambry Genetics
Classification: Uncertain significance for Inborn genetic diseases. Last evaluated: 2026-02-15. Review status: criteria provided, single submitter. Criteria: Ambry Variant Classification Scheme 2023. Collection method: clinical testing. Allele origin: germline.
Comment: The p.P532S variant (also known as c.1594C>T), located in coding exon 7 of the SH2B3 gene, results from a C to T substitution at nucleotide position 1594. The proline at codon 532 is replaced by serine, an amino acid with similar properties. This amino acid position is conserved. In addition, this alteration is predicted to be tolerated by in silico analysis. Based on the available evidence, the clinical significance of this variant remains unclear.